The following is an entry in ClinVar:

ClinVar aggregate classification (germline): Uncertain significance (1 of 4 stars; one submission).

Conditions:
Severe myoclonic epilepsy in infancy (DRVT). Also called: SEVERE MYOCLONIC EPILEPSY OF INFANCY; DEVELOPMENTAL AND EPILEPTIC ENCEPHALOPATHY 6A; Severe Myoclonic Epilepsy in Infancy (SMEI); Dravet syndrome; Epileptic encephalopathy, early infantile, 6 (Dravet syndrome). Identifiers: Orphanet 33069, MedGen C0751122, MONDO:0100135, OMIM 607208.

Allele frequency attached by ClinVar (database versions not stated): ExAC 0.00001; gnomAD exomes 0.00001; TOPMed 0.00002; gnomAD 0.00003 and 0.00004.
gnomAD v4.1: 36 of 1,611,878 alleles (0.0022%); highest among the groups gnomAD compares: African/African-American, 0.0067%; no homozygotes.

Submission:

Labcorp Genetics (formerly Invitae), Labcorp
Classification: Uncertain significance for Severe myoclonic epilepsy in infancy. Last evaluated: 2022-04-20. Review status: criteria provided, single submitter. Criteria: Invitae Variant Classification Sherloc (09022015). Collection method: clinical testing. Allele origin: germline.
Comment: This sequence change replaces threonine, which is neutral and polar, with methionine, which is neutral and non-polar, at codon 449 of the SNX27 protein (p.Thr449Met). This variant is present in population databases (rs754928412, gnomAD 0.002%). This variant has not been reported in the literature in individuals affected with SNX27-related conditions. ClinVar contains an entry for this variant (Variation ID: 650109). Algorithms developed to predict the effect of missense changes on protein structure and function output the following: SIFT: "Deleterious"; PolyPhen-2: "Benign"; Align-GVGD: "Class C0". The methionine amino acid residue is found in multiple mammalian species, which suggests that this missense change does not adversely affect protein function. In summary, the available evidence is currently insufficient to determine the role of this variant in disease. Therefore, it has been classified as a Variant of Uncertain Significance.

NM_001330723.2(SNX27):c.1346C>T (p.Thr449Met)

Gene: SNX27 (sorting nexin 27; plus strand). Cytogenetic location: 1q21.3.
Variant type: single nucleotide variant.
Coding change: c.1346C>T on transcript NM_001330723.2 (MANE Select); coding-DNA position 1346, C replaced by T.
Protein change: p.Thr449Met; replaces threonine 449 with methionine.
Molecular consequence: missense variant.
Genome position (GRCh38, 1-based): chr1:151,692,541, C>T. VCF-style: chr1-151692541-C-T. GRCh37 (hg19) VCF-style: chr1-151665017-C-T.
Other names: c.1346C>T, p.Thr449Met (NM_030918.6); short protein forms T449M.
Identifiers: ClinVar variation 650109 (VCV000650109.7), dbSNP rs754928412, ClinGen allele CA1093644.
Genomic context (GRCh38, chr1:151,692,541, plus strand): 5'-TTCCCCACTGTGCCTGTGACTCCAGGAGGAAGGGGCACGTTATCACAGCCATCAGCATCA[C>T]GCACTTTAAACTGCATGCCTGCACTGAAGAAGGACAGCTGGAGGTGAGTTTTCAGCATAG-3'
Protein context (NP_001317652.1, residues 439-459): KGHVITAISI[Thr449Met]HFKLHACTEE